The following is an entry in ClinVar:

NM_198578.4(LRRK2):c.7354T>G (p.Cys2452Gly)

Gene: LRRK2 (leucine rich repeat kinase 2; plus strand). Cytogenetic location: 12q12.
Variant type: single nucleotide variant.
Coding change: c.7354T>G on transcript NM_198578.4 (MANE Select); coding-DNA position 7354, T replaced by G.
Protein change: p.Cys2452Gly; replaces cysteine 2452 with glycine.
Molecular consequence: missense variant.
Genome position (GRCh38, 1-based): chr12:40,365,014, T>G. VCF-style: chr12-40365014-T-G. GRCh37 (hg19) VCF-style: chr12-40758816-T-G.
Other names: short protein forms C2452G.
Identifiers: ClinVar variation 1758467 (VCV001758467.2), dbSNP rs2500038705, ClinGen allele CA384415301.

ClinVar aggregate classification (germline): Uncertain significance (1 of 4 stars; one submission).

Conditions:
Inborn genetic diseases. Identifiers: MedGen C0950123, MeSH D030342.

Submission:

Ambry Genetics
Classification: Uncertain significance for Inborn genetic diseases. Last evaluated: 2021-06-14. Review status: criteria provided, single submitter. Criteria: Ambry Variant Classification Scheme 2023. Collection method: clinical testing. Allele origin: germline.
Comment: The p.C2452G variant (also known as c.7354T>G), located in coding exon 49 of the LRRK2 gene, results from a T to G substitution at nucleotide position 7354. The cysteine at codon 2452 is replaced by glycine, an amino acid with highly dissimilar properties. This amino acid position is conserved. In addition, the in silico prediction for this alteration is inconclusive. Since supporting evidence is limited at this time, the clinical significance of this alteration remains unclear.